The following is an entry in ClinVar:

ClinVar aggregate classification (germline): Uncertain significance. Review status: criteria provided, multiple submitters, no conflicts (2 of 4 stars). 2 submissions from 2 submitters: Uncertain significance (2). Last evaluated 2023-06-21.

Conditions:
Familial hemophagocytic lymphohistiocytosis 2 (FHL2). Also called: PRF1-Related Familial Hemophagocytic Lymphohistiocytosis (PRF1-fHLH). Identifiers: Orphanet 540, MedGen C1863727, MONDO:0011337, OMIM 603553.

Allele frequency attached by ClinVar (database versions not stated): gnomAD exomes below 0.00001; ExAC 0.00001; TOPMed 0.00002; gnomAD 0.00003 and 0.00004.
gnomAD v4.1: 7 of 1,614,086 alleles (0.00043%); highest among the groups gnomAD compares: African/African-American, 0.0093%; no homozygotes.

Submissions (2):

GeneDx
Classification: Uncertain significance. Last evaluated: 2023-06-21. Review status: criteria provided, single submitter. Criteria: GeneDx Variant Classification Process June 2021. Collection method: clinical testing. Allele origin: germline. Affected: yes.
Comment: Not observed at significant frequency in large population cohorts (gnomAD); In silico analysis supports that this missense variant does not alter protein structure/function; Has not been previously published as pathogenic or benign to our knowledge

Labcorp Genetics (formerly Invitae), Labcorp
Classification: Uncertain significance for Familial hemophagocytic lymphohistiocytosis 2. Last evaluated: 2021-09-01. Review status: criteria provided, single submitter. Criteria: Invitae Variant Classification Sherloc (09022015). Collection method: clinical testing. Allele origin: germline.
Comment: This sequence change replaces histidine with glutamine at codon 203 of the PRF1 protein (p.His203Gln). The histidine residue is weakly conserved and there is a small physicochemical difference between histidine and glutamine. This variant is present in population databases (rs772537976, ExAC 0.01%). This variant has not been reported in the literature in individuals affected with PRF1-related conditions. Algorithms developed to predict the effect of missense changes on protein structure and function (SIFT, PolyPhen-2, Align-GVGD) all suggest that this variant is likely to be tolerated. In summary, the available evidence is currently insufficient to determine the role of this variant in disease. Therefore, it has been classified as a Variant of Uncertain Significance.

NM_001083116.3(PRF1):c.609C>A (p.His203Gln)

Gene: PRF1 (perforin 1; minus strand). Cytogenetic location: 10q22.1.
Variant type: single nucleotide variant.
Coding change: c.609C>A on transcript NM_001083116.3 (MANE Select); coding-DNA position 609, C replaced by A.
Protein change: p.His203Gln; replaces histidine 203 with glutamine.
Molecular consequence: missense variant.
Genome position (GRCh38, 1-based): chr10:70,599,112, G>T on the plus strand (C>A on the coding strand, the complement: PRF1 is on the minus strand). VCF-style: chr10-70599112-G-T. GRCh37 (hg19) VCF-style: chr10-72358868-G-T.
Other names: c.609C>A, p.His203Gln (NM_005041.6); short protein forms H203Q.
Identifiers: ClinVar variation 963564 (VCV000963564.7), dbSNP rs772537976, ClinGen allele CA5538964.